The following is an entry in ClinVar:

ClinVar aggregate classification (germline): Uncertain significance. Review status: criteria provided, multiple submitters, no conflicts (2 of 4 stars). 3 submissions from 3 submitters: Uncertain significance (3). Last evaluated 2024-07-09.

Allele frequency attached by ClinVar (database versions not stated): ESP Exome Variant Server 0.00008; ExAC 0.00012; gnomAD exomes 0.00009; TOPMed 0.00005; gnomAD 0.00009 and 0.00010.
gnomAD v4.1: 254 of 1,611,094 alleles (0.016%); highest among the groups gnomAD compares: Non-Finnish European, 0.02%; no homozygotes.

Submissions (3):

GeneDx
Classification: Uncertain significance. Last evaluated: 2024-07-09. Review status: criteria provided, single submitter. Criteria: GeneDx Variant Classification Process June 2021. Collection method: clinical testing. Allele origin: germline. Affected: yes.
Comment: In silico analysis indicates that this missense variant does not alter protein structure/function; Has not been previously published as pathogenic or benign to our knowledge

Labcorp Genetics (formerly Invitae), Labcorp
Classification: Uncertain significance. Last evaluated: 2023-08-17. Review status: criteria provided, single submitter. Criteria: Invitae Variant Classification Sherloc (09022015). Collection method: clinical testing. Allele origin: germline.
Comment: This sequence change replaces glutamic acid, which is acidic and polar, with glycine, which is neutral and non-polar, at codon 797 of the WHRN protein (p.Glu797Gly). This variant is present in population databases (rs375820423, gnomAD 0.02%). This variant has not been reported in the literature in individuals affected with WHRN-related conditions. ClinVar contains an entry for this variant (Variation ID: 863128). An algorithm developed to predict the effect of missense changes on protein structure and function (PolyPhen-2) suggests that this variant¬†is likely to be tolerated. In summary, the available evidence is currently insufficient to determine the role of this variant in disease. Therefore, it has been classified as a Variant of Uncertain Significance.

Blueprint Genetics
Classification: Uncertain significance. Last evaluated: 2022-11-18. Review status: criteria provided, single submitter. Criteria: ACMG Guidelines, 2015. Collection method: clinical testing. Allele origin: germline.

NM_015404.4(WHRN):c.2390A>G (p.Glu797Gly)

Gene: WHRN (whirlin; minus strand). Cytogenetic location: 9q32.
Variant type: single nucleotide variant.
Coding change: c.2390A>G on transcript NM_015404.4 (MANE Select); coding-DNA position 2390, A replaced by G.
Protein change: p.Glu797Gly; replaces glutamic acid 797 with glycine.
Molecular consequence: missense variant.
Genome position (GRCh38, 1-based): chr9:114,403,924, T>C on the plus strand (A>G on the coding strand, the complement: WHRN is on the minus strand). VCF-style: chr9-114403924-T-C. GRCh37 (hg19) VCF-style: chr9-117166204-T-C.
Other names: c.1241A>G, p.Glu414Gly (NM_001083885.3); c.2387A>G, p.Glu796Gly (NM_001173425.2); c.1337A>G, p.Glu446Gly (NM_001346890.1); short protein forms E414G, E446G, E797G, E796G.
Identifiers: ClinVar variation 863128 (VCV000863128.9), dbSNP rs375820423, ClinGen allele CA5205650.
Genomic context (GRCh38, chr9:114,403,924, plus strand): 5'-CAGCCCTCTGCATCCTCCTCCTCCTGGCTCACCGGTTTGTTGGCCCCATCTGTGGGCCTC[T>C]CGTTCCGAGGCAGCTCCTTGCTACTCCTGCTCTTGGTGGACACCGACTGCCTTCCTCGGC-3'
Protein context (NP_056219.3, residues 787-807): SRSSKELPRN[Glu797Gly]RPTDGANKPP